The following is an entry in ClinVar:

ClinVar aggregate classification (germline): Uncertain significance. Review status: criteria provided, multiple submitters, no conflicts (2 of 4 stars). 2 submissions from 2 submitters: Uncertain significance (2). Last evaluated 2024-03-06.

Conditions:
Malignant hyperthermia, susceptibility to, 5 (MHS5). Also called: CACNA1S-Related Malignant Hyperthermia Susceptibility. Identifiers: Orphanet 423, MedGen C1866077, MONDO:0011163, OMIM 601887.

gnomAD v4.1: 2 of 1,614,142 alleles (0.00012%); highest among the groups gnomAD compares: Non-Finnish European, 0.00017%; no homozygotes.

Submissions (2):

Color Diagnostics, LLC DBA Color Health
Classification: Uncertain significance for Malignant hyperthermia, susceptibility to, 5. Last evaluated: 2024-03-06. Review status: criteria provided, single submitter. Criteria: ACMG Guidelines, 2015. Collection method: clinical testing. Allele origin: germline.
Comment: This missense variant replaces proline with serine at codon 521 of the CACNA1S protein. Computational prediction is inconclusive regarding the impact of this variant on protein structure and function (internally defined REVEL score threshold 0.5 < inconclusive < 0.7, PMID: 27666373). To our knowledge, functional studies have not been reported for this variant. This variant has not been reported in individuals affected with CACNA1S-related disorders in the literature. This variant has not been identified in the general population by the Genome Aggregation Database (gnomAD). The available evidence is insufficient to determine the role of this variant in disease conclusively. Therefore, this variant is classified as a Variant of Uncertain Significance.

All of Us Research Program, National Institutes of Health
Classification: Uncertain significance for Malignant hyperthermia, susceptibility to, 5. Last evaluated: 2023-07-19. Review status: criteria provided, single submitter. Criteria: ACMG Guidelines, 2015. Collection method: clinical testing. Allele origin: germline. Inheritance: Autosomal dominant inheritance. Observed: 2 variant alleles, 2 heterozygotes.
Comment: This missense variant replaces proline with serine at codon 521 of the CACNA1S protein. Computational prediction is inconclusive regarding the impact of this variant on protein structure and function (internally defined REVEL score threshold 0.5 < inconclusive < 0.7, PMID: 27666373). To our knowledge, functional studies have not been reported for this variant. This variant has not been reported in individuals affected with CACNA1S-related disorders in the literature. This variant has not been identified in the general population by the Genome Aggregation Database (gnomAD). The available evidence is insufficient to determine the role of this variant in disease conclusively. Therefore, this variant is classified as a Variant of Uncertain Significance.

This study involves interpretation of variants in research participants for the purpose of population health screening. Participant phenotype was not available at the time of variant classification. Additional details can be found in publication PMID: 35346344, PMCID: PMC8962531

NM_000069.3(CACNA1S):c.1561C>T (p.Pro521Ser)

Gene: CACNA1S (calcium voltage-gated channel subunit alpha1 S; minus strand). Cytogenetic location: 1q32.1.
Variant type: single nucleotide variant.
Coding change: c.1561C>T on transcript NM_000069.3 (MANE Select); coding-DNA position 1561, C replaced by T.
Protein change: p.Pro521Ser; replaces proline 521 with serine.
Molecular consequence: missense variant.
Genome position (GRCh38, 1-based): chr1:201,077,937, G>A on the plus strand (C>T on the coding strand, the complement: CACNA1S is on the minus strand). VCF-style: chr1-201077937-G-A. GRCh37 (hg19) VCF-style: chr1-201047065-G-A.
Other names: short protein forms P521S.
Identifiers: ClinVar variation 2775016 (VCV002775016.3), dbSNP rs759169193, ClinGen allele CA344121368.
Genomic context (GRCh38, chr1:201,077,937, plus strand): 5'-ACTTGGTGATCTTGAAGATCCTCAGGAGGCGGATGCAGCGGAGCACGGAGATGCCCAGGG[G>A]TGTCATGGCACCCGACTCCACCAGCAGGATCTCCAGGATACCGCTACACACCACGAAGCA-3'
Protein context (NP_000060.2, residues 511-531): ILLVESGAMT[Pro521Ser]LGISVLRCIR